The following is an entry in ClinVar:

NM_004958.4(MTOR):c.4376C>A (p.Ala1459Asp)

Gene: MTOR (mechanistic target of rapamycin kinase; minus strand). Cytogenetic location: 1p36.22.
Variant type: single nucleotide variant.
Coding change: c.4376C>A on transcript NM_004958.4 (MANE Select); coding-DNA position 4376, C replaced by A.
Protein change: p.Ala1459Asp; replaces alanine 1459 with aspartic acid.
Molecular consequence: missense variant.
Genome position (GRCh38, 1-based): chr1:11,157,245, G>T on the plus strand (C>A on the coding strand, the complement: MTOR is on the minus strand). VCF-style: chr1-11157245-G-T. GRCh37 (hg19) VCF-style: chr1-11217302-G-T.
Other names: c.4376C>A, p.Ala1459Asp (NM_001386500.1); c.3128C>A, p.Ala1043Asp (NM_001386501.1); short protein forms A1043D, A1459D.
Identifiers: ClinVar variation 2672094 (VCV002672094.2), dbSNP rs1644347782, ClinGen allele CA338371975.

ClinVar aggregate classification (germline): Pathogenic. Review status: criteria provided, multiple submitters, no conflicts (2 of 4 stars). 2 submissions from 2 submitters: Pathogenic (2). Last evaluated 2025-02-08.

Conditions:
Isolated focal cortical dysplasia type II (FCORD2). Also called: CORTICAL DYSPLASIA OF TAYLOR; Focal cortical dysplasia type II. Identifiers: Orphanet 268994, MedGen C1846385, MONDO:0011818, OMIM 607341, HP:0032051.

Submissions (2):

Human Genome Lab, NIMHANS, National Institute of Mental Health and Neuro Sciences
Classification: Pathogenic for Isolated focal cortical dysplasia type II. Last evaluated: 2025-02-08. Review status: criteria provided, single submitter. Criteria: ACMG Guidelines, 2015. Collection method: clinical testing. Allele origin: somatic. Affected: yes. Observed: 1 variant allele, 1 mosaic individual.
Comment: The missense variant NM_004958.4(MTOR):c.4376C>A (p.Ala1459Asp) causes the same amino acid change as a previously established pathogenic variant. The p.Ala1459Asp variant is novel (not in any individuals) in 1kG All. The p.Ala1459Asp variant is novel (not in any individuals) in gnomAD. There is a moderate physicochemical difference between alanine and aspartic acid. The gene MTOR has a low rate of benign missense variation as indicated by a high missense variants Z-Score of 9.49. The gene MTOR contains 52 pathogenic missense variants, indicating that missense variants are a common mechanism of disease in this gene. 3 variants within 6 amino acid positions of the variant p.Ala1459Asp have been shown to be pathogenic, while none have been shown to be benign. The p.Ala1459Asp missense variant is predicted to be damaging by both SIFT and PolyPhen2. The alanine residue at codon 1459 of MTOR is conserved in all mammalian species. The nucleotide c.4376 in MTOR is predicted conserved by GERP++ and PhyloP across 100 vertebrates. (ACMG Criteria: PM2, PP2, PM1, PS1,PP3)

Clinical Genomics Laboratory, Washington University in St. Louis
Classification: Pathogenic for Isolated focal cortical dysplasia type II. Last evaluated: 2023-10-16. Review status: criteria provided, single submitter. Criteria: ACMG Guidelines, 2015. Collection method: clinical testing. Allele origin: somatic. Affected: yes.
Comment: The MTOR c.4376C>A (p.Ala1459Asp) variant was identified at an allelic fraction consistent with somatic origin. This variant has been reported in individuals with brain malformations (Sim NS et al., PMID: 30584598; Baldassari S et al., PMID: 31444548; Nakashima M et al., PMID: 26018084; Hanai S et al., PMID: 28427592). This variant has been reported as a somatic variant in multiple cancer cases in the cancer database COSMIC (COSMIC ID: COSV63868170). This variant is absent from the general population database (gnomAD v3.1.2), indicating it is not a common variant. The MTOR c.4376C>A (p.Ala1459Asp) variant resides within the FAT domain of MTOR that is defined as a critical functional domain (Xu J et al., PMID: 27482884; Murugan AK et al., PMID: 23322780; Hardt M et al., PMID: 21210909). Computational predictors indicate that the variant is damaging, evidence that correlates with impact to MTOR function. The MTOR gene is defined by the ClinGen's Brain Malformations expert panel as a gene that has a low rate of benign missense variation and where pathogenic missense variants are a common mechanism of disease (Lai A et al., PMID: 35997716). Based on an internally developed protocol informed by the ACMG/AMP guidelines (Richards S et al., PMID: 25741868) and gene-specific practices from the ClinGen Criteria Specification Registry, the MTOR c.4376C>A (p.Ala1459Asp) variant is classified as pathogenic.